The following is an entry in ClinVar:

ClinVar aggregate classification (germline): Uncertain significance (1 of 4 stars; one submission).

Conditions:
Sulfite oxidase deficiency due to molybdenum cofactor deficiency type A. Also called: Molybdenum cofactor deficiency, complementation group A; Molybdenum Cofactor Deficiency A. Identifiers: Orphanet 308386, Orphanet 833, MedGen C1854988, MONDO:0009643, OMIM 252150.

Submission:

Labcorp Genetics (formerly Invitae), Labcorp
Classification: Uncertain significance for Sulfite oxidase deficiency due to molybdenum cofactor deficiency type A. Last evaluated: 2024-12-08. Review status: criteria provided, single submitter. Criteria: Invitae Variant Classification Sherloc (09022015). Collection method: clinical testing. Allele origin: germline.
Comment: This sequence change replaces proline, which is neutral and non-polar, with alanine, which is neutral and non-polar, at codon 250 of the MOCS1 protein (p.Pro250Ala). This variant is not present in population databases (gnomAD no frequency). This variant has not been reported in the literature in individuals affected with MOCS1-related conditions. An algorithm developed to predict the effect of missense changes on protein structure and function (PolyPhen-2) suggests that this variant is likely to be disruptive. In summary, the available evidence is currently insufficient to determine the role of this variant in disease. Therefore, it has been classified as a Variant of Uncertain Significance.

NM_001358530.2(MOCS1):c.748C>G (p.Pro250Ala)

Gene: MOCS1 (molybdenum cofactor synthesis 1; minus strand). Cytogenetic location: 6p21.2.
Variant type: single nucleotide variant.
Coding change: c.748C>G on transcript NM_001358530.2 (MANE Select); coding-DNA position 748, C replaced by G.
Protein change: p.Pro250Ala; replaces proline 250 with alanine.
Molecular consequence: missense variant. On other transcripts: non-coding transcript variant (1).
Genome position (GRCh38, 1-based): chr6:39,913,326, G>C on the plus strand (C>G on the coding strand, the complement: MOCS1 is on the minus strand). VCF-style: chr6-39913326-G-C. GRCh37 (hg19) VCF-style: chr6-39881070-G-C.
Other names: c.487C>G, p.Pro163Ala (NM_001358534.2, NM_001358531.2, NM_001358533.2); c.748C>G, p.Pro250Ala (NM_005943.6, NM_001075098.4, NM_001358529.2); short protein forms P163A, P250A.
Identifiers: ClinVar variation 3673067 (VCV003673067.2).